The following is an entry in ClinVar:

NM_014780.5(CUL7):c.354del (p.Gln119fs)

Gene: CUL7 (cullin 7; minus strand). Cytogenetic location: 6p21.1.
Variant type: Deletion.
Coding change: c.354del on transcript NM_014780.5 (MANE Select); coding-DNA position 354, one base deleted (T; older notation c.354delT).
Protein change: p.Gln119fs; shifts the reading frame from glutamine 119.
Molecular consequence: frameshift variant.
Genome position (GRCh38, 1-based): chr6:43,052,435, A deleted on the plus strand (T on the coding strand, the reverse complement: CUL7 is on the minus strand); the first of 2 consecutive A bases (chr6:43,052,435-43,052,436); deleting either gives the same sequence. VCF-style (leftmost placement, unchanged base first): chr6-43052434-GA-G. GRCh37 (hg19) VCF-style: chr6-43020172-GA-G.
Other names: c.354del, p.Gln119fs (NM_001168370.2, NM_001374872.1, NM_001374873.1 and 1 more transcripts); short protein forms Q119fs.
Identifiers: ClinVar variation 3382094 (VCV003382094.2).
Genomic context (GRCh38, chr6:43,052,434, plus strand): 5'-GAAGTAGAGGAGCAGGAGGGATAGTGCCCACACACTCCTCCAGCTGCCGAAGGGCTCTCT[GA>G]ATGAGGGACTTCACGTCGGTTTCCATCTCCTCCAGCACAGATTTGTCCAGGGCCCCAACC-3'

ClinVar aggregate classification (germline): Likely pathogenic (1 of 4 stars; one submission).

Conditions:
3M syndrome 1. Also called: 3-M Syndrome, CUL7-Related. Identifiers: Orphanet 2616, MedGen C2678312, MONDO:0010117, OMIM 273750.

Submission:

Juno Genomics, Hangzhou Juno Genomics, Inc
Classification: Likely pathogenic for 3M syndrome 1. Review status: criteria provided, single submitter. Criteria: ACMG Guidelines, 2015. Collection method: clinical testing. Allele origin: germline. Affected: yes.
Comment: Null variant in a gene where loss of function (LOF) is a known mechanism of disease.;Absent from controls (or at extremely low frequency if recessive) in Genome Aggregation Database, Exome Sequencing Project, 1000 Genomes Project, or Exome Aggregation Consortium.